The following is an entry in ClinVar:

ClinVar aggregate classification (germline): Benign. Review status: criteria provided, single submitter (1 of 4 stars). 2 submissions from 2 submitters: Benign (1). 1 of the submissions does not count toward it.

Conditions:
Permanent neonatal diabetes mellitus (PNDM). Identifiers: Orphanet 99885, MedGen C1833104, MONDO:0100164, MONDO:0011643. Disease mechanism: gain of function.
Neonatal hypoglycemia. Identifiers: MedGen C0158986, HP:0001998.

Submissions (2):

Clinical Genomics, Uppaluri K&H Personalized Medicine Clinic
Classification: Benign for Neonatal hypoglycemia. Review status: criteria provided, single submitter. Criteria: K&H Uppaluri Personalized Medicine Clinic Variant Classification & Assertion Criteria. Collection method: research. Allele origin: somatic. Inheritance: Autosomal dominant inheritance.
Comment: Mutations in KCNJ11 gene can cause decreased production and secretion of insulin. This can lead to MODY. rs193929357 variant is also associated with better response to sulfonylureas in neonatal diabetes mellitus cases.

GeneReviews
No classification provided. Condition: Permanent neonatal diabetes mellitus. Review status: no classification provided. Collection method: literature only. Allele origin: unknown. Not counted in ClinVar's aggregate classification.

Literature cited by the submitters: PubMed 26388896 (cited by Clinical Genomics, Uppaluri K&H Personalized Medicine Clinic); PubMed 20301620 (cited by GeneReviews); NCBI Bookshelf NBK1447 (cited by GeneReviews).

NM_000525.4(KCNJ11):c.997T>A (p.Phe333Ile)

Gene: KCNJ11 (potassium inwardly rectifying channel subfamily J member 11; minus strand). Cytogenetic location: 11p15.1.
Variant type: single nucleotide variant.
Coding change: c.997T>A on transcript NM_000525.4 (MANE Select); coding-DNA position 997, T replaced by A.
Protein change: p.Phe333Ile; replaces phenylalanine 333 with isoleucine.
Molecular consequence: missense variant.
Genome position (GRCh38, 1-based): chr11:17,387,095, A>T on the plus strand (T>A on the coding strand, the complement: KCNJ11 is on the minus strand). VCF-style: chr11-17387095-A-T. GRCh37 (hg19) VCF-style: chr11-17408642-A-T.
Other names: c.736T>A, p.Phe246Ile (NM_001166290.2, NM_001377296.1, NM_001377297.1); short protein forms F333I, F246I.
Identifiers: ClinVar variation 21205 (VCV000021205.4), dbSNP rs193929357, ClinGen allele CA341732.